The following is an entry in ClinVar:

ClinVar aggregate classification (germline): Uncertain significance (1 of 4 stars; one submission).

gnomAD v4.1: 1 of 1,603,180 alleles (0.000062%); highest among the groups gnomAD compares: Non-Finnish European, 0.000085%; no homozygotes.

Submission:

CeGaT Center for Human Genetics Tuebingen
Classification: Uncertain significance. Last evaluated: 2023-08-01. Review status: criteria provided, single submitter. Criteria: CeGaT Center For Human Genetics Tuebingen Variant Classification Criteria Version 2. Collection method: clinical testing. Allele origin: germline. Affected: yes. Observed: 1 variant allele.
Comment: SHOX: PM2, PM5, PP3

NM_000451.4(SHOX):c.440G>T (p.Arg147Leu)

Genes: SHOX (SHOX homeobox; plus strand), LOC107652445 (meiotic recombination hotspot SHOX; plus strand). Cytogenetic location: Xp22.33.
Variant type: single nucleotide variant.
Coding change: c.440G>T on transcript NM_000451.4 (MANE Select); coding-DNA position 440, G replaced by T.
Protein change: p.Arg147Leu; replaces arginine 147 with leucine.
Molecular consequence: missense variant.
Genome position (GRCh38, 1-based): chrX:634,780, G>T. VCF-style: chrX-634780-G-T. GRCh37 (hg19) VCF-style: chrX-595515-G-T.
Other names: c.440G>T, p.Arg147Leu (NM_006883.2); short protein forms R147L.
Identifiers: ClinVar variation 2659857 (VCV002659857.24), dbSNP rs886043634, ClinGen allele CA412231496.